The following is an entry in ClinVar:

NM_000159.4(GCDH):c.319G>A (p.Gly107Ser)

Gene: GCDH (glutaryl-CoA dehydrogenase; plus strand). Cytogenetic location: 19p13.13.
Variant type: single nucleotide variant.
Coding change: c.319G>A on transcript NM_000159.4 (MANE Select); coding-DNA position 319, G replaced by A.
Protein change: p.Gly107Ser; replaces glycine 107 with serine.
Molecular consequence: missense variant. On other transcripts: non-coding transcript variant (1).
Genome position (GRCh38, 1-based): chr19:12,892,163, G>A. VCF-style: chr19-12892163-G-A. GRCh37 (hg19) VCF-style: chr19-13002977-G-A.
Other names: c.319G>A, p.Gly107Ser (NM_013976.5); short protein forms G107S.
Identifiers: ClinVar variation 2581398 (VCV002581398.1), dbSNP rs2512565743, ClinGen allele CA404316060.

ClinVar aggregate classification (germline): Uncertain significance (1 of 4 stars; one submission).

Submission:

Women's Health and Genetics/Laboratory Corporation of America, LabCorp
Classification: Uncertain significance. Last evaluated: 2023-08-28. Review status: criteria provided, single submitter. Criteria: LabCorp Variant Classification Summary - May 2015. Collection method: clinical testing. Allele origin: germline.
Comment: Variant summary: GCDH c.319G>A (p.Gly107Ser) results in a non-conservative amino acid change located in the N-terminal domain (IPR013786) of the encoded protein sequence. Five of five in-silico tools predict a damaging effect of the variant on protein function. The variant was absent in 251484 control chromosomes (gnomAD). c.319G>A has been reported in the literature in a homozygous individual affected with Glutaric Acidemia Type 1 (Tamhankar_2021). These data indicate that the variant may be associated with disease. To our knowledge, no experimental evidence demonstrating an impact on protein function has been reported. However, a different missense affecting the same residue (Gly107Val) was identified in a homozygous patient (PMID 31062211), and several other missense variants are reported nearby (e.g. M100I/T, G101R, L106P, Y113H, C115Y) in patients affected with Glutaric acidaemia 1 (HGMD), indicating the functional importance of this protein region. The following publication has been ascertained in the context of this evaluation (PMID: 34504725). No submitters have cited clinical-significance assessments for this variant to ClinVar after 2014. Based on the evidence outlined above, the variant was classified as VUS-possibly pathogenic.

Literature cited by the submitters: PubMed 34504725.